The following is an entry in ClinVar:

ClinVar aggregate classification (germline): Uncertain significance (1 of 4 stars; one submission).

Conditions:
Mitochondrial DNA depletion syndrome 13. Also called: FBXL4-Related Encephalomyopathic Mitochondrial DNA Depletion Syndrome; Mitochondrial DNA depletion syndrome 13 (encephalomyopathic type). Identifiers: Orphanet 369897, MedGen C3809592, MONDO:0014198, OMIM 615471.

Allele frequency attached by ClinVar (database versions not stated): gnomAD exomes below 0.00001; ExAC 0.00001.
gnomAD v4.1: 1 of 1,614,140 alleles (0.000062%); highest among the groups gnomAD compares: Non-Finnish European, 0.000085%; no homozygotes.

Submission:

Wong Mito Lab, Molecular and Human Genetics, Baylor College of Medicine
Classification: Uncertain significance for Mitochondrial DNA depletion syndrome 13. Last evaluated: 2017-08-10. Review status: criteria provided, single submitter. Criteria: ACMG Guidelines, 2015. Collection method: reference population. Allele origin: germline.
Comment: The NM_012160.4:c.416C>G (NP_036292.2:p.Ala139Gly) [GRCH38: NC_000006.12:g.98926573G>C] variant in FBXL4 gene is interpretated to be a Uncertain Significance - Insufficient Evidence based on ACMG guidelines (PMID: 25741868). This variant meets one or more of the following evidence codes reported in the ACMG-guideline. PM2:This variant is absent in key population databases. Based on this evidence code ClinGen Pathogenicity Calculator (PMID:28081714) suggested that the variant is Uncertain Significance - Insufficient Evidence.

NM_001278716.2(FBXL4):c.416C>G (p.Ala139Gly)

Gene: FBXL4 (F-box and leucine rich repeat protein 4; minus strand). Cytogenetic location: 6q16.2.
Variant type: single nucleotide variant.
Coding change: c.416C>G on transcript NM_001278716.2 (MANE Select); coding-DNA position 416, C replaced by G.
Protein change: p.Ala139Gly; replaces alanine 139 with glycine.
Molecular consequence: missense variant. On other transcripts: non-coding transcript variant (2).
Genome position (GRCh38, 1-based): chr6:98,926,573, G>C on the plus strand (C>G on the coding strand, the complement: FBXL4 is on the minus strand). VCF-style: chr6-98926573-G-C. GRCh37 (hg19) VCF-style: chr6-99374449-G-C.
Other names: c.416C>G, p.Ala139Gly (NM_012160.5); short protein forms A139G.
Identifiers: ClinVar variation 437574 (VCV000437574.1), dbSNP rs770564931, ClinGen allele CA3933692.